The following is an entry in ClinVar:

NM_031935.3(HMCN1):c.3641A>G (p.Asp1214Gly)

Gene: HMCN1 (hemicentin 1; plus strand). Cytogenetic location: 1q31.1.
Variant type: single nucleotide variant.
Coding change: c.3641A>G on transcript NM_031935.3 (MANE Select); coding-DNA position 3641, A replaced by G.
Protein change: p.Asp1214Gly; replaces aspartic acid 1214 with glycine.
Molecular consequence: missense variant.
Genome position (GRCh38, 1-based): chr1:185,994,950, A>G. VCF-style: chr1-185994950-A-G. GRCh37 (hg19) VCF-style: chr1-185964082-A-G.
Other names: c.3641A>G (NM_031935.2); short protein forms D1214G.
Identifiers: ClinVar variation 2188995 (VCV002188995.5), dbSNP rs536503258, ClinGen allele CA1291780.

ClinVar aggregate classification (germline): Uncertain significance. Review status: criteria provided, multiple submitters, no conflicts (2 of 4 stars). 2 submissions from 2 submitters: Uncertain significance (2). Last evaluated 2025-07-22.

Allele frequency attached by ClinVar (database versions not stated): ExAC 0.00003; 1000 Genomes Project 0.00020; 1000 Genomes Project 30x 0.00031.
gnomAD v4.1: 24 of 1,613,918 alleles (0.0015%); highest among the groups gnomAD compares: African/African-American, 0.031%; no homozygotes.

Submissions (2):

Labcorp Genetics (formerly Invitae), Labcorp
Classification: Uncertain significance. Last evaluated: 2025-07-22. Review status: criteria provided, single submitter. Criteria: Invitae Variant Classification Sherloc (09022015). Collection method: clinical testing. Allele origin: germline.
Comment: This sequence change replaces aspartic acid, which is acidic and polar, with glycine, which is neutral and non-polar, at codon 1214 of the HMCN1 protein (p.Asp1214Gly). This variant is present in population databases (rs536503258, gnomAD 0.03%). This variant has not been reported in the literature in individuals affected with HMCN1-related conditions. ClinVar contains an entry for this variant (Variation ID: 2188995). An algorithm developed to predict the effect of missense changes on protein structure and function (PolyPhen-2) suggests that this variant is likely to be tolerated. In summary, the available evidence is currently insufficient to determine the role of this variant in disease. Therefore, it has been classified as a Variant of Uncertain Significance.

Ambry Genetics
Classification: Uncertain significance. Last evaluated: 2024-05-24. Review status: criteria provided, single submitter. Criteria: Ambry Variant Classification Scheme 2023. Collection method: clinical testing. Allele origin: germline.